The following is an entry in ClinVar:

ClinVar aggregate classification (germline): Uncertain significance (1 of 4 stars; one submission).

Conditions:
CHARGE syndrome (CHARGE). Also called: Hittner Hirsch Kreh syndrome; CHARGE ASSOCIATION--COLOBOMA, HEART ANOMALY, CHOANAL ATRESIA, RETARDATION, GENITAL AND EAR ANOMALIES; Coloboma, heart anomaly, choanal atresia, retardation, genital and ear anomalies; CHARGE association; Hall-Hittner syndrome. Identifiers: Orphanet 138, MedGen C0265354, MONDO:0008965.

Submission:

Labcorp Genetics (formerly Invitae), Labcorp
Classification: Uncertain significance for CHARGE syndrome. Last evaluated: 2022-09-10. Review status: criteria provided, single submitter. Criteria: Invitae Variant Classification Sherloc (09022015). Collection method: clinical testing. Allele origin: germline.
Comment: This sequence change replaces glycine, which is neutral and non-polar, with glutamic acid, which is acidic and polar, at codon 2713 of the CHD7 protein (p.Gly2713Glu). This variant is not present in population databases (gnomAD no frequency). This variant has not been reported in the literature in individuals affected with CHD7-related conditions. Advanced modeling of protein sequence and biophysical properties (such as structural, functional, and spatial information, amino acid conservation, physicochemical variation, residue mobility, and thermodynamic stability) performed at Invitae indicates that this missense variant is not expected to disrupt CHD7 protein function. In summary, the available evidence is currently insufficient to determine the role of this variant in disease. Therefore, it has been classified as a Variant of Uncertain Significance.

NM_017780.4(CHD7):c.8138G>A (p.Gly2713Glu)

Gene: CHD7 (chromodomain helicase DNA binding protein 7; plus strand). Cytogenetic location: 8q12.2.
Variant type: single nucleotide variant.
Coding change: c.8138G>A on transcript NM_017780.4 (MANE Select); coding-DNA position 8138, G replaced by A.
Protein change: p.Gly2713Glu; replaces glycine 2713 with glutamic acid.
Molecular consequence: missense variant.
Genome position (GRCh38, 1-based): chr8:60,865,077, G>A. VCF-style: chr8-60865077-G-A. GRCh37 (hg19) VCF-style: chr8-61777636-G-A.
Other names: c.1991G>A, p.Gly664Glu (NM_001316690.1); short protein forms G2713E, G664E.
Identifiers: ClinVar variation 2000469 (VCV002000469.4), dbSNP rs2488142669, ClinGen allele CA371307354.